The following is an entry in ClinVar:

ClinVar aggregate classification (germline): Uncertain significance (1 of 4 stars; one submission).

Conditions:
Hereditary sensory neuropathy-deafness-dementia syndrome. Also called: HSN IE; Hereditary sensory neuropathy type IE; Hereditary Sensory and Autonomic Neuropathy Type 1E (HSAN1E); NEUROPATHY, HEREDITARY SENSORY, WITH HEARING LOSS AND DEMENTIA. Identifiers: Orphanet 456318, MedGen C3279885, MONDO:0013584, OMIM 614116.

Allele frequency attached by ClinVar (database versions not stated): gnomAD exomes below 0.00001; gnomAD 0.00001; 1000 Genomes Project 30x 0.00016; 1000 Genomes Project 0.00020.
gnomAD v4.1: 3 of 1,613,998 alleles (0.00019%); highest among the groups gnomAD compares: African/African-American, 0.0013%; no homozygotes.

Submission:

Labcorp Genetics (formerly Invitae), Labcorp
Classification: Uncertain significance for Hereditary sensory neuropathy-deafness-dementia syndrome. Last evaluated: 2020-03-12. Review status: criteria provided, single submitter. Criteria: Invitae Variant Classification Sherloc (09022015). Collection method: clinical testing. Allele origin: germline.
Comment: This sequence change replaces arginine with cysteine at codon 1120 of the DNMT1 protein (p.Arg1120Cys). The arginine residue is highly conserved and there is a large physicochemical difference between arginine and cysteine. This variant is not present in population databases (ExAC no frequency). This variant has not been reported in the literature in individuals with DNMT1-related conditions. Algorithms developed to predict the effect of missense changes on protein structure and function are either unavailable or do not agree on the potential impact of this missense change (SIFT: "Deleterious"; PolyPhen-2: "Benign"; Align-GVGD: "Class C0"). In summary, the available evidence is currently insufficient to determine the role of this variant in disease. Therefore, it has been classified as a Variant of Uncertain Significance.

NM_001130823.3(DNMT1):c.3358C>T (p.Arg1120Cys)

Gene: DNMT1 (DNA methyltransferase 1; minus strand). Cytogenetic location: 19p13.2.
Variant type: single nucleotide variant.
Coding change: c.3358C>T on transcript NM_001130823.3 (MANE Select); coding-DNA position 3358, C replaced by T.
Protein change: p.Arg1120Cys; replaces arginine 1120 with cysteine.
Molecular consequence: missense variant.
Genome position (GRCh38, 1-based): chr19:10,141,141, G>A on the plus strand (C>T on the coding strand, the complement: DNMT1 is on the minus strand). VCF-style: chr19-10141141-G-A. GRCh37 (hg19) VCF-style: chr19-10251817-G-A.
Other names: c.3310C>T, p.Arg1104Cys (NM_001318730.2, NM_001379.4); c.2995C>T, p.Arg999Cys (NM_001318731.2); short protein forms R1104C, R1120C, R999C.
Identifiers: ClinVar variation 1014494 (VCV001014494.9), dbSNP rs200950656, ClinGen allele CA305221370.
Genomic context (GRCh38, chr19:10,141,141, plus strand): 5'-AAAGAAACTCATACAATGACGTACCTTTTCCCTTGCCCTTCCCTTTGTTTCCAGGGCTAC[G>A]GGCATGGTTGGGAGGATCTTCAAAGCTTTTGCTCTTTGCATTATAGGCCTGAAAAGGAGA-3'
Protein context (NP_001124295.1, residues 1110-1130): KSFEDPPNHA[Arg1120Cys]SPGNKGKGKG